The following is an entry in ClinVar:

ClinVar aggregate classification (germline): Uncertain significance. Review status: criteria provided, multiple submitters, no conflicts (2 of 4 stars). 2 submissions from 2 submitters: Uncertain significance (2). Last evaluated 2024-02-12.

Conditions:
Hereditary cancer-predisposing syndrome. Also called: Hereditary neoplastic syndrome; Tumor predisposition; Neoplastic Syndromes, Hereditary; Hereditary Cancer Syndrome. Identifiers: Orphanet 140162, MedGen C0027672, MeSH D009386, MONDO:0015356.
Fanconi anemia complementation group O. Also called: RAD51C-Related Fanconi Anemia. Identifiers: Orphanet 84, MedGen C3150653, MONDO:0013248, OMIM 613390.

Submissions (2):

Labcorp Genetics (formerly Invitae), Labcorp
Classification: Uncertain significance for Fanconi anemia complementation group O. Last evaluated: 2024-02-12. Review status: criteria provided, single submitter. Criteria: Invitae Variant Classification Sherloc (09022015). Collection method: clinical testing. Allele origin: germline.
Comment: This sequence change replaces isoleucine, which is neutral and non-polar, with arginine, which is basic and polar, at codon 52 of the RAD51C protein (p.Ile52Arg). This variant is not present in population databases (gnomAD no frequency). This variant has not been reported in the literature in individuals affected with RAD51C-related conditions. ClinVar contains an entry for this variant (Variation ID: 1479139). Advanced modeling of protein sequence and biophysical properties (such as structural, functional, and spatial information, amino acid conservation, physicochemical variation, residue mobility, and thermodynamic stability) performed at Invitae indicates that this missense variant is not expected to disrupt RAD51C protein function with a negative predictive value of 80%. In summary, the available evidence is currently insufficient to determine the role of this variant in disease. Therefore, it has been classified as a Variant of Uncertain Significance.

Ambry Genetics
Classification: Uncertain significance for Hereditary cancer-predisposing syndrome. Last evaluated: 2022-10-17. Review status: criteria provided, single submitter. Criteria: Ambry Variant Classification Scheme 2023. Collection method: clinical testing. Allele origin: germline.
Comment: The p.I52R variant (also known as c.155T>G), located in coding exon 2 of the RAD51C gene, results from a T to G substitution at nucleotide position 155. The isoleucine at codon 52 is replaced by arginine, an amino acid with similar properties. This amino acid position is conserved. In addition, the in silico prediction for this alteration is inconclusive. Since supporting evidence is limited at this time, the clinical significance of this alteration remains unclear.

NM_058216.3(RAD51C):c.155T>G (p.Ile52Arg)

Gene: RAD51C (RAD51 paralog C; plus strand). Cytogenetic location: 17q22.
Variant type: single nucleotide variant.
Coding change: c.155T>G on transcript NM_058216.3 (MANE Select); coding-DNA position 155, T replaced by G.
Protein change: p.Ile52Arg; replaces isoleucine 52 with arginine.
Molecular consequence: missense variant. On other transcripts: non-coding transcript variant (2).
Genome position (GRCh38, 1-based): chr17:58,694,940, T>G. VCF-style: chr17-58694940-T-G. GRCh37 (hg19) VCF-style: chr17-56772301-T-G.
Other names: c.155T>G, p.Ile52Arg (NM_002876.4); short protein forms I52R.
Identifiers: ClinVar variation 1479139 (VCV001479139.10), dbSNP rs2143717510, ClinGen allele CA400339576.